The following is an entry in ClinVar:

ClinVar aggregate classification (germline): Benign (0 of 4 stars; one submission).

Conditions:
DNAH17-related disorder. Also called: DNAH17-related condition.

Allele frequency attached by ClinVar (database versions not stated): TOPMed 0.01302; ESP Exome Variant Server 0.01428; gnomAD 0.01430; 1000 Genomes Project 30x 0.01452; 1000 Genomes Project 0.01558; gnomAD exomes 0.01850; ExAC 0.02143.

Submission:

PreventionGenetics, part of Exact Sciences
Classification: Benign for DNAH17-related condition. Last evaluated: 2019-02-19. Review status: no assertion criteria provided. Collection method: clinical testing. Allele origin: germline.
Comment: This variant is classified as benign based on ACMG/AMP sequence variant interpretation guidelines (Richards et al. 2015 PMID: 25741868, with internal and published modifications).

NM_173628.4(DNAH17):c.3880G>A (p.Glu1294Lys)

Gene: DNAH17 (dynein axonemal heavy chain 17; minus strand). Cytogenetic location: 17q25.3.
Variant type: single nucleotide variant.
Coding change: c.3880G>A on transcript NM_173628.4 (MANE Select); coding-DNA position 3880, G replaced by A.
Protein change: p.Glu1294Lys; replaces glutamic acid 1294 with lysine.
Molecular consequence: missense variant.
Genome position (GRCh38, 1-based): chr17:78,515,007, C>T on the plus strand (G>A on the coding strand, the complement: DNAH17 is on the minus strand). VCF-style: chr17-78515007-C-T. GRCh37 (hg19) VCF-style: chr17-76511089-C-T.
Other names: short protein forms E1294K.
Identifiers: ClinVar variation 3042222 (VCV003042222.2), dbSNP rs61736352, ClinGen allele CA8803972.